The following is an entry in ClinVar:

NM_058216.3(RAD51C):c.249G>T (p.Lys83Asn)

Gene: RAD51C (RAD51 paralog C; plus strand). Cytogenetic location: 17q22.
Variant type: single nucleotide variant.
Coding change: c.249G>T on transcript NM_058216.3 (MANE Select); coding-DNA position 249, G replaced by T.
Protein change: p.Lys83Asn; replaces lysine 83 with asparagine.
Molecular consequence: missense variant. On other transcripts: non-coding transcript variant (2).
Genome position (GRCh38, 1-based): chr17:58,695,034, G>T. VCF-style: chr17-58695034-G-T. GRCh37 (hg19) VCF-style: chr17-56772395-G-T.
Other names: c.249G>T, p.Lys83Asn (NM_002876.4); short protein forms K83N.
Identifiers: ClinVar variation 4680834 (VCV004680834.1).

ClinVar aggregate classification (germline): Uncertain significance (1 of 4 stars; one submission).

Conditions:
Hereditary cancer-predisposing syndrome. Also called: Neoplastic Syndromes, Hereditary; Tumor predisposition; Hereditary Cancer Syndrome; Hereditary neoplastic syndrome. Identifiers: Orphanet 140162, MedGen C0027672, MeSH D009386, MONDO:0015356.

Submission:

Ambry Genetics
Classification: Uncertain significance for Hereditary cancer-predisposing syndrome. Last evaluated: 2025-10-05. Review status: criteria provided, single submitter. Criteria: Ambry Variant Classification Scheme 2023. Collection method: clinical testing. Allele origin: germline.
Comment: The p.K83N variant (also known as c.249G>T), located in coding exon 2 of the RAD51C gene, results from a G to T substitution at nucleotide position 249. The lysine at codon 83 is replaced by asparagine, an amino acid with similar properties. This amino acid position is conserved. In addition, this alteration is predicted to be tolerated by in silico analysis. Based on the available evidence, the clinical significance of this variant remains unclear.